The following is an entry in ClinVar:

NM_000263.4(NAGLU):c.1949G>A (p.Gly650Glu)

Gene: NAGLU (N-acetyl-alpha-glucosaminidase; plus strand). Cytogenetic location: 17q21.2.
Variant type: single nucleotide variant.
Coding change: c.1949G>A on transcript NM_000263.4 (MANE Select); coding-DNA position 1949, G replaced by A.
Protein change: p.Gly650Glu; replaces glycine 650 with glutamic acid.
Molecular consequence: missense variant.
Genome position (GRCh38, 1-based): chr17:42,543,955, G>A. VCF-style: chr17-42543955-G-A. GRCh37 (hg19) VCF-style: chr17-40695973-G-A.
Other names: short protein forms G650E.
Identifiers: ClinVar variation 143188 (VCV000143188.12), dbSNP rs527236037, ClinGen allele CA170087.

ClinVar aggregate classification (germline): Conflicting classifications of pathogenicity. Review status: criteria provided, conflicting classifications (1 of 4 stars). 5 submissions from 5 submitters: Pathogenic (1); Likely pathogenic (1); Uncertain significance (1). 2 of the submissions do not count toward it. Last evaluated 2026-01-05.

Conditions:
Mucopolysaccharidosis, MPS-III-B (MPS3B). Also called: N-ACETYL-ALPHA-D-GLUCOSAMINIDASE DEFICIENCY; NAGLU DEFICIENCY; MPS III B; MUCOPOLYSACCHARIDOSIS, TYPE IIIB; SANFILIPPO SYNDROME B; MPS IIIB (Sanfilippo Syndrome Type B). Identifiers: Orphanet 79270, MedGen C0086648, MONDO:0009656, OMIM 252920.
Charcot-Marie-Tooth disease axonal type 2V. Also called: CHARCOT-MARIE-TOOTH NEUROPATHY, TYPE 2V; CHARCOT-MARIE-TOOTH DISEASE, AXONAL, AUTOSOMAL DOMINANT, TYPE 2V. Identifiers: Orphanet 447964, MedGen C5569050, MONDO:0014665, OMIM 616491.

Allele frequency attached by ClinVar (database versions not stated): gnomAD 0.00001; TOPMed 0.00002.

Submissions (5):

Labcorp Genetics (formerly Invitae), Labcorp
Classification: Pathogenic for Charcot-Marie-Tooth disease axonal type 2V; Mucopolysaccharidosis, MPS-III-B. Last evaluated: 2026-01-05. Review status: criteria provided, single submitter. Criteria: Invitae Variant Classification Sherloc (09022015). Collection method: clinical testing. Allele origin: germline.
Comment: This sequence change replaces glycine, which is neutral and non-polar, with glutamic acid, which is acidic and polar, at codon 650 of the NAGLU protein (p.Gly650Glu). This variant is not present in population databases (gnomAD no frequency). This missense change has been observed in individual(s) with mucopolysaccharidosis (PMID: 10094189, 22976768, 23661660). It has also been observed to segregate with disease in related individuals. ClinVar contains an entry for this variant (Variation ID: 143188). Invitae Evidence Modeling of protein sequence and biophysical properties (such as structural, functional, and spatial information, amino acid conservation, physicochemical variation, residue mobility, and thermodynamic stability) indicates that this missense variant is expected to disrupt NAGLU protein function with a positive predictive value of 95%. For these reasons, this variant has been classified as Pathogenic.

Myriad Genetics, Inc.
Classification: Uncertain significance for Mucopolysaccharidosis, MPS-III-B. Last evaluated: 2025-08-01. Review status: criteria provided, single submitter. Criteria: Myriad Autosomal Dominant, Autosomal Recessive and X-Linked Classification Criteria (2023). Collection method: clinical testing. Allele origin: unknown.
Comment: NM_000263.3(NAGLU):c.1949G>A(G650E) is a missense variant classified as a variant of uncertain significance in the context of mucopolysaccharidosis type IIIB. G650E has been observed in cases with relevant disease (PMID: 10094189, 22976768, 23661660). Relevant functional assessments of this variant are not available in the literature. Internal structural analysis of the variant is supportive of pathogenicity. G650E has been observed in referenced population frequency databases. In summary, there is insufficient evidence to classify NM_000263.3(NAGLU):c.1949G>A(G650E) as pathogenic or benign. Please note: this variant was assessed in the context of healthy population screening.

Natera, Inc.
Classification: Likely pathogenic for Mucopolysaccharidosis type IIIB. Last evaluated: 2024-12-09. Review status: criteria provided, single submitter. Criteria: Natera Variant Classification Schema (03/2026). Collection method: clinical testing. Allele origin: germline.
Comment: The c.1949G>A variant in NAGLU is a missense variant predicted to cause substitution of glycine to glutamic acid at amino acid 650. This variant is rare in the general population with a frequency below the threshold expected for the associated phenotype(s). This variant has been observed in one or more individuals affected with the associated recessive disease, as either homozygous or compound heterozygous with a second variant (PMID: 35848209, 10094189). Additionally, this variant has been observed to segregate in affected family members (PMID: 35848209). Computational prediction algorithms indicate this variant is likely to affect gene or protein function. Given the available evidence, this variant is classified as Likely Pathogenic.

Counsyl
Classification: Likely pathogenic for Mucopolysaccharidosis, MPS-III-B. Last evaluated: 2017-03-29. Review status: no assertion criteria provided. Collection method: clinical testing. Allele origin: unknown. Not counted in ClinVar's aggregate classification.

Undiagnosed Diseases Program Translational Research Laboratory, National Institutes of Health
Classification: Pathogenic for Mucopolysaccharidosis, MPS-III-B. Review status: no assertion criteria provided. Collection method: not provided. Allele origin: inherited. Not counted in ClinVar's aggregate classification.
ClinVar note: Converted during submission from pathogenic to Pathogenic.

Literature cited by the submitters: PubMed 10094189 (cited by 4 submitters); PubMed 22976768 (cited by 3 submitters); PubMed 23661660 (cited by 3 submitters); PubMed 35848209 (cited by Natera, Inc.).